The following is an entry in ClinVar:

NM_015450.3(POT1):c.865A>G (p.Lys289Glu)

Gene: POT1 (protection of telomeres 1; minus strand). Cytogenetic location: 7q31.33.
Variant type: single nucleotide variant.
Coding change: c.865A>G on transcript NM_015450.3 (MANE Select); coding-DNA position 865, A replaced by G.
Protein change: p.Lys289Glu; replaces lysine 289 with glutamic acid.
Molecular consequence: missense variant. On other transcripts: non-coding transcript variant (3).
Genome position (GRCh38, 1-based): chr7:124,852,976, T>C on the plus strand (A>G on the coding strand, the complement: POT1 is on the minus strand). VCF-style: chr7-124852976-T-C. GRCh37 (hg19) VCF-style: chr7-124493030-T-C.
Other names: c.472A>G, p.Lys158Glu (NM_001042594.2); short protein forms K289E, K158E.
Identifiers: ClinVar variation 2565250 (VCV002565250.3), dbSNP rs2485441231, ClinGen allele CA369054768.

ClinVar aggregate classification (germline): Uncertain significance. Review status: criteria provided, multiple submitters, no conflicts (2 of 4 stars). 2 submissions from 2 submitters: Uncertain significance (2). Last evaluated 2024-07-30.

Conditions:
Hereditary cancer-predisposing syndrome. Also called: Neoplastic Syndromes, Hereditary; Hereditary Cancer Syndrome; Hereditary neoplastic syndrome; Tumor predisposition. Identifiers: Orphanet 140162, MedGen C0027672, MeSH D009386, MONDO:0015356.

Submissions (2):

GeneDx
Classification: Uncertain significance. Last evaluated: 2024-07-30. Review status: criteria provided, single submitter. Criteria: GeneDx Variant Classification Process June 2021. Collection method: clinical testing. Allele origin: germline. Affected: yes.
Comment: Not observed at significant frequency in large population cohorts (gnomAD); In silico analysis indicates that this missense variant does not alter protein structure/function; Has not been previously published as pathogenic or benign to our knowledge

Ambry Genetics
Classification: Uncertain significance for Hereditary cancer-predisposing syndrome. Last evaluated: 2023-04-23. Review status: criteria provided, single submitter. Criteria: Ambry Variant Classification Scheme 2023. Collection method: clinical testing. Allele origin: germline.
Comment: The p.K289E variant (also known as c.865A>G), located in coding exon 6 of the POT1 gene, results from an A to G substitution at nucleotide position 865. The lysine at codon 289 is replaced by glutamic acid, an amino acid with similar properties. This amino acid position is conserved. In addition, this alteration is predicted to be tolerated by in silico analysis. Since supporting evidence is limited at this time, the clinical significance of this alteration remains unclear.